The following is an entry in ClinVar:

NM_004168.4(SDHA):c.1463C>T (p.Ala488Val)

Gene: SDHA (succinate dehydrogenase complex flavoprotein subunit A; plus strand). Cytogenetic location: 5p15.33.
Variant type: single nucleotide variant.
Coding change: c.1463C>T on transcript NM_004168.4 (MANE Select); coding-DNA position 1463, C replaced by T.
Protein change: p.Ala488Val; replaces alanine 488 with valine.
Molecular consequence: missense variant.
Genome position (GRCh38, 1-based): chr5:240,388, C>T. VCF-style: chr5-240388-C-T. GRCh37 (hg19) VCF-style: chr5-240503-C-T.
Other names: c.1319C>T, p.Ala440Val (NM_001294332.2); c.1463C>T, p.Ala488Val (NM_001330758.2); c.1463C>T (NM_004168.2); short protein forms A440V, A488V.
Identifiers: ClinVar variation 854586 (VCV000854586.11), dbSNP rs1421325038, ClinGen allele CA359014222.

ClinVar aggregate classification (germline): Uncertain significance. Review status: criteria provided, multiple submitters, no conflicts (2 of 4 stars). 2 submissions from 2 submitters: Uncertain significance (2). Last evaluated 2026-07-07.

Conditions:
Hereditary cancer-predisposing syndrome. Also called: Tumor predisposition; Hereditary neoplastic syndrome; Neoplastic Syndromes, Hereditary; Hereditary Cancer Syndrome. Identifiers: Orphanet 140162, MedGen C0027672, MeSH D009386, MONDO:0015356.
Mitochondrial complex II deficiency, nuclear type 1. Also called: SUCCINATE CoQ REDUCTASE DEFICIENCY. Identifiers: Orphanet 3208, MedGen C5700310, MONDO:0100294, OMIM 252011.
Pheochromocytoma/paraganglioma syndrome 5. Also called: Paragangliomas 5; SDHA-Related Hereditary Paraganglioma-Pheochromocytoma Syndrome. Identifiers: Orphanet 29072, MedGen C3279992, MONDO:0013602, OMIM 614165.

Allele frequency attached by ClinVar (database versions not stated): gnomAD exomes below 0.00001.

Submissions (2):

Ambry Genetics
Classification: Uncertain significance for Hereditary cancer-predisposing syndrome. Last evaluated: 2026-07-07. Review status: criteria provided, single submitter. Criteria: Ambry Variant Classification Scheme 2023. Collection method: clinical testing. Allele origin: germline.
Comment: The p.A488V variant (also known as c.1463C>T), located in coding exon 11 of the SDHA gene, results from a C to T substitution at nucleotide position 1463. The alanine at codon 488 is replaced by valine, an amino acid with similar properties. This amino acid position is conserved. In addition, the in silico prediction for this alteration is inconclusive. Based on the available evidence, the clinical significance of this variant remains unclear.

Labcorp Genetics (formerly Invitae), Labcorp
Classification: Uncertain significance for Pheochromocytoma/paraganglioma syndrome 5; Mitochondrial complex II deficiency, nuclear type 1. Last evaluated: 2024-11-20. Review status: criteria provided, single submitter. Criteria: Invitae Variant Classification Sherloc (09022015). Collection method: clinical testing. Allele origin: germline.
Comment: This sequence change replaces alanine, which is neutral and non-polar, with valine, which is neutral and non-polar, at codon 488 of the SDHA protein (p.Ala488Val). This variant is present in population databases (no rsID available, gnomAD 0.006%). This variant has not been reported in the literature in individuals affected with SDHA-related conditions. ClinVar contains an entry for this variant (Variation ID: 854586). Invitae Evidence Modeling of protein sequence and biophysical properties (such as structural, functional, and spatial information, amino acid conservation, physicochemical variation, residue mobility, and thermodynamic stability) indicates that this missense variant is not expected to disrupt SDHA protein function with a negative predictive value of 95%. In summary, the available evidence is currently insufficient to determine the role of this variant in disease. Therefore, it has been classified as a Variant of Uncertain Significance.